The following is an entry in ClinVar:

ClinVar aggregate classification (germline): Uncertain significance (1 of 4 stars; one submission).

Conditions:
Sialuria. Also called: Sialic Acid Storage Disease; SIALURIA, FRENCH TYPE. Identifiers: Orphanet 3166, MedGen C0342853, MONDO:0010028, OMIM 269921.
GNE myopathy (NM). Also called: IBM 2; Inclusion body myopathy autosomal recessive; Inclusion body myopathy quadriceps sparing; NONAKA DISTAL MYOPATHY; INCLUSION BODY MYOPATHY, HEREDITARY, AUTOSOMAL RECESSIVE; INCLUSION BODY MYOPATHY 2, AUTOSOMAL RECESSIVE. Identifiers: Orphanet 602, MedGen C1853926, MONDO:0011603, OMIM 605820.

Submission:

Labcorp Genetics (formerly Invitae), Labcorp
Classification: Uncertain significance for Sialuria; GNE myopathy. Last evaluated: 2025-05-13. Review status: criteria provided, single submitter. Criteria: Invitae Variant Classification Sherloc (09022015). Collection method: clinical testing. Allele origin: germline.
Comment: This variant, c.411_413del, results in the deletion of 1 amino acid(s) of the GNE protein (p.Ile137del), but otherwise preserves the integrity of the reading frame. This variant is not present in population databases (gnomAD no frequency). This variant has not been reported in the literature in individuals affected with GNE-related conditions. Experimental studies and prediction algorithms are not available or were not evaluated, and the functional significance of this variant is currently unknown. In summary, the available evidence is currently insufficient to determine the role of this variant in disease. Therefore, it has been classified as a Variant of Uncertain Significance.

NM_005476.7(GNE):c.318_320del (p.Ile106del)

Gene: GNE (glucosamine (UDP-N-acetyl)-2-epimerase/N-acetylmannosamine kinase; minus strand). Cytogenetic location: 9p13.3.
Variant type: Deletion.
Coding change: c.318_320del on transcript NM_005476.7 (MANE Select); coding-DNA positions 318 to 320, 3 bases deleted (CAT; older notation c.318_320delCAT).
Protein change: p.Ile106del; deletes isoleucine 106.
Genome position (GRCh38, 1-based): chr9:36,246,327-36,246,329, ATG deleted on the plus strand (CAT on the coding strand, the reverse complement: GNE is on the minus strand); deleting any 3 consecutive bases within chr9:36,246,327-36,246,331 gives the same sequence; the c. name uses the placement nearest the transcript's 3' end. VCF-style (leftmost placement, unchanged base first): chr9-36246326-CATG-C. GRCh37 (hg19) VCF-style: chr9-36246323-CATG-C.
Other names: c.411_413del, p.Ile137del (NM_001128227.3); c.318_320del, p.Ile106del (NM_001190383.3, NM_001374797.1); c.141_143del, p.Ile47del (NM_001190384.3, NM_001190388.2, NM_001374798.1); short protein forms I106del, I137del, I47del.
Identifiers: ClinVar variation 4784907 (VCV004784907.1).
Genomic context (GRCh38, chr9:36,246,326, plus strand): 5'-GTTCATCAAGGCAGCAGATGTGGCCAGAGCCAGGGCATCAAACCTGTCTCCATGAACAAT[CATG>C]ATATCAGGCTTCAGGCGATTAAGGACATCTGGCAGCTTCACTAGGGCCAGGCCTACTGAC-3'